The following is an entry in ClinVar:

NM_014862.4(ARNT2):c.1868C>T (p.Ser623Leu)

Genes: ARNT2 (aryl hydrocarbon receptor nuclear translocator 2; plus strand), ARNT2-AS1 (ARNT2 antisense RNA 1; minus strand). Cytogenetic location: 15q25.1.
Variant type: single nucleotide variant.
Coding change: c.1868C>T on transcript NM_014862.4 (MANE Select); coding-DNA position 1868, C replaced by T.
Protein change: p.Ser623Leu; replaces serine 623 with leucine.
Molecular consequence: missense variant.
Genome position (GRCh38, 1-based): chr15:80,581,354, C>T. VCF-style: chr15-80581354-C-T. GRCh37 (hg19) VCF-style: chr15-80873695-C-T.
Other names: c.1868C>T (NM_014862.3); short protein forms S623L.
Identifiers: ClinVar variation 1418372 (VCV001418372.9), dbSNP rs909432529, ClinGen allele CA274053738.

ClinVar aggregate classification (germline): Uncertain significance. Review status: criteria provided, multiple submitters, no conflicts (2 of 4 stars). 2 submissions from 2 submitters: Uncertain significance (2). Last evaluated 2025-09-02.

Allele frequency attached by ClinVar (database versions not stated): gnomAD exomes below 0.00001 and 0.00001; gnomAD 0.00001.
gnomAD v4.1: 6 of 1,614,078 alleles (0.00037%); highest among the groups gnomAD compares: Non-Finnish European, 0.00051%; no homozygotes.

Submissions (2):

Labcorp Genetics (formerly Invitae), Labcorp
Classification: Uncertain significance. Last evaluated: 2025-09-02. Review status: criteria provided, single submitter. Criteria: Invitae Variant Classification Sherloc (09022015). Collection method: clinical testing. Allele origin: germline.
Comment: This sequence change replaces serine, which is neutral and polar, with leucine, which is neutral and non-polar, at codon 623 of the ARNT2 protein (p.Ser623Leu). This variant is present in population databases (no rsID available, gnomAD 0.0009%). This variant has not been reported in the literature in individuals affected with ARNT2-related conditions. ClinVar contains an entry for this variant (Variation ID: 1418372). An algorithm developed to predict the effect of missense changes on protein structure and function (PolyPhen-2) suggests that this variant is likely to be tolerated. In summary, the available evidence is currently insufficient to determine the role of this variant in disease. Therefore, it has been classified as a Variant of Uncertain Significance.

Ambry Genetics
Classification: Uncertain significance. Last evaluated: 2025-07-15. Review status: criteria provided, single submitter. Criteria: Ambry Variant Classification Scheme 2023. Collection method: clinical testing. Allele origin: germline.